The following is an entry in ClinVar:

ClinVar aggregate classification (germline): Uncertain significance (1 of 4 stars; one submission).

Allele frequency attached by ClinVar (database versions not stated): gnomAD exomes below 0.00001; gnomAD 0.00001.

Submission:

Labcorp Genetics (formerly Invitae), Labcorp
Classification: Uncertain significance. Last evaluated: 2021-11-17. Review status: criteria provided, single submitter. Criteria: Invitae Variant Classification Sherloc (09022015). Collection method: clinical testing. Allele origin: germline.
Comment: Algorithms developed to predict the effect of missense changes on protein structure and function output the following: SIFT: "Tolerated"; PolyPhen-2: "Benign"; Align-GVGD: "Class C0". The serine amino acid residue is found in multiple mammalian species, which suggests that this missense change does not adversely affect protein function. This variant has not been reported in the literature in individuals affected with ARPC1B-related conditions. This variant is present in population databases (no rsID available, gnomAD 0.01%). This sequence change replaces alanine, which is neutral and non-polar, with serine, which is neutral and polar, at codon 105 of the ARPC1B protein (p.Ala105Ser). In summary, the available evidence is currently insufficient to determine the role of this variant in disease. Therefore, it has been classified as a Variant of Uncertain Significance.

NM_005720.4(ARPC1B):c.313G>T (p.Ala105Ser)

Gene: ARPC1B (actin related protein 2/3 complex subunit 1B; plus strand). Cytogenetic location: 7q22.1.
Variant type: single nucleotide variant.
Coding change: c.313G>T on transcript NM_005720.4 (MANE Select); coding-DNA position 313, G replaced by T.
Protein change: p.Ala105Ser; replaces alanine 105 with serine.
Molecular consequence: missense variant.
Genome position (GRCh38, 1-based): chr7:99,388,182, G>T. VCF-style: chr7-99388182-G-T. GRCh37 (hg19) VCF-style: chr7-98985805-G-T.
Other names: short protein forms A105S.
Identifiers: ClinVar variation 1476005 (VCV001476005.5), dbSNP rs1391731703, ClinGen allele CA368319069.
Genomic context (GRCh38, chr7:99,388,182, plus strand): 5'-ACATGGAAGCCCACGCTGGTCATCCTGCGGATCAACCGGGCTGCCCGCTGCGTGCGCTGG[G>T]CCCCCAACGAGAACAAGTTTGCTGTGGGCAGCGGCTCTCGTGTGATCTCCATCTGTTATT-3'
Protein context (NP_005711.1, residues 95-115): INRAARCVRW[Ala105Ser]PNENKFAVGS